The following is an entry in ClinVar:

NM_000246.4(CIITA):c.1424dup (p.Pro476fs)

Gene: CIITA (class II major histocompatibility complex transactivator; plus strand). Cytogenetic location: 16p13.13.
Variant type: Duplication.
Coding change: c.1424dup on transcript NM_000246.4 (MANE Select); coding-DNA position 1424, one base duplicated (A; older notation c.1424dupA).
Protein change: p.Pro476fs; shifts the reading frame from proline 476.
Molecular consequence: frameshift variant. On other transcripts: intron variant (1).
Genome position (GRCh38, 1-based): chr16:10,906,916, A duplicated. VCF-style (leftmost placement, unchanged base first): chr16-10906915-C-CA. GRCh37 (hg19) VCF-style: chr16-11000772-C-CA.
Other names: c.1427dup, p.Pro477fs (NM_001286402.1, NM_001379332.1); c.1280dup, p.Pro428fs (NM_001379330.1); c.1277dup, p.Pro427fs (NM_001379331.1); c.1424dup, p.Pro476fs (NM_001379333.1); c.1355dup, p.Pro453fs (NM_001379334.1); c.860-2067dup (NM_001286403.2); short protein forms P427fs, P428fs, P453fs, P476fs, P477fs.
Identifiers: ClinVar variation 4817972 (VCV004817972.1).
Genomic context (GRCh38, chr16:10,906,915, plus strand): 5'-TGCTTGAACCGTCCGGGGGATGCCTATGGCCTGCAGGATCTGCTCTTCTCCCTGGGCCCA[C>CA]AGCCACTCGTGGCGGCCGATGAGGTTTTCAGCCACATCTTGAAGAGACCTGACCGCGTTC-3'

ClinVar aggregate classification (germline): Likely pathogenic (1 of 4 stars; one submission).

Conditions:
MHC class II deficiency. Also called: BLS, TYPE II; Bare lymphocyte syndrome 2. Identifiers: Orphanet 572, MedGen C5447452, MONDO:0008855.

Submission:

Natera, Inc.
Classification: Likely pathogenic for Bare lymphocyte syndrome type II. Last evaluated: 2024-07-24. Review status: criteria provided, single submitter. Criteria: Natera Variant Classification Schema (03/2026). Collection method: clinical testing. Allele origin: germline.
Comment: The c.1424dup variant in CIITA is a frameshift variant predicted to shift the reading frame beginning at codon 476 and leads to a stop codon 7 codons downstream. This variant is expected to result in nonsense mediated decay, truncation, or a dysfunctional protein product. This variant is rare in the general population with a frequency below the threshold expected for the associated phenotype(s). Given the available evidence, this variant is classified as Likely Pathogenic.